The following is an entry in ClinVar:

NM_014956.5(CEP164):c.2650C>A (p.Leu884Met)

Gene: CEP164 (centrosomal protein 164; plus strand). Cytogenetic location: 11q23.3.
Variant type: single nucleotide variant.
Coding change: c.2650C>A on transcript NM_014956.5 (MANE Select); coding-DNA position 2650, C replaced by A.
Protein change: p.Leu884Met; replaces leucine 884 with methionine.
Molecular consequence: missense variant.
Genome position (GRCh38, 1-based): chr11:117,394,383, C>A. VCF-style: chr11-117394383-C-A. GRCh37 (hg19) VCF-style: chr11-117265099-C-A.
Other names: c.2659C>A, p.Leu887Met (NM_001271933.2, NM_001440949.1); c.2650C>A, p.Leu884Met (NM_001440950.1, NM_001440951.1, NM_001440953.1); c.2485C>A, p.Leu829Met (NM_001440952.1, NM_001440968.1, NM_001440969.1); c.2572C>A, p.Leu858Met (NM_001440954.1, NM_001440955.1, NM_001440958.1 and 1 more transcripts); c.2563C>A, p.Leu855Met (NM_001440956.1, NM_001440957.1); c.2521C>A, p.Leu841Met (NM_001440960.1); c.2512C>A, p.Leu838Met (NM_001440961.1, NM_001440967.1); c.2503C>A, p.Leu835Met (NM_001440962.1, NM_001440963.1, NM_001440964.1 and 4 more transcripts); and 7 more; short protein forms L765M, L809M, L831M, L841M, L739M, L829M, L884M, L887M.
Identifiers: ClinVar variation 4997497 (VCV004997497.1).

ClinVar aggregate classification (germline): Uncertain significance (1 of 4 stars; one submission).

Conditions:
CEP164-related disorder. Also called: CEP164-related condition.

Submission:

PreventionGenetics, part of Exact Sciences
Classification: Uncertain significance for CEP164-related condition. Last evaluated: 2024-11-27. Review status: criteria provided, single submitter. Criteria: ACMG Guidelines, 2015. Collection method: clinical testing. Allele origin: germline.
Comment: The CEP164 c.2650C>A variant is predicted to result in the amino acid substitution p.Leu884Met. To our knowledge, this variant has not been reported in the literature or in a large population database (gnomAD), indicating this variant is rare. At this time, the clinical significance of this variant is uncertain due to the absence of conclusive functional and genetic evidence.